The following is an entry in ClinVar:

ClinVar aggregate classification (germline): Likely benign (0 of 4 stars; one submission).

Conditions:
PRSS12-related disorder. Also called: PRSS12-related condition.

gnomAD v4.1: 93 of 1,613,838 alleles (0.0058%); highest among the groups gnomAD compares: Non-Finnish European, 0.0072%; no homozygotes.

Submission:

PreventionGenetics, part of Exact Sciences
Classification: Likely benign for PRSS12-related condition. Last evaluated: 2020-02-24. Review status: no assertion criteria provided. Collection method: clinical testing. Allele origin: germline.
Comment: This variant is classified as likely benign based on ACMG/AMP sequence variant interpretation guidelines (Richards et al. 2015 PMID: 25741868, with internal and published modifications).

NM_003619.4(PRSS12):c.1266C>T (p.Tyr422=)

Gene: PRSS12 (serine protease 12; minus strand). Cytogenetic location: 4q26.
Variant type: single nucleotide variant.
Coding change: c.1266C>T on transcript NM_003619.4 (MANE Select); coding-DNA position 1266, C replaced by T.
Protein change: p.Tyr422=; no amino-acid change (tyrosine 422 retained).
Molecular consequence: synonymous variant.
Genome position (GRCh38, 1-based): chr4:118,316,208, G>A on the plus strand (C>T on the coding strand, the complement: PRSS12 is on the minus strand). VCF-style: chr4-118316208-G-A. GRCh37 (hg19) VCF-style: chr4-119237363-G-A.
Identifiers: ClinVar variation 3050882 (VCV003050882.2), dbSNP rs763158980, ClinGen allele CA3055689.
Genomic context (GRCh38, chr4:118,316,208, plus strand): 5'-GCATTTAACTGCCTTTATAATTAATGAACCTTACTTAAATCCCAATTGTCGACAAACCAC[G>A]TATGTATTCAGCTCAGTCCAGCCATCATCACAGACAGTTCCCCACTGGCCTCTGTAATAT-3'
Protein context (NP_003610.2, residues 412-432): CDDGWTELNT[Tyr422=]VVCRQLGFKY